The following is an entry in ClinVar:

NM_006953.4(UPK3A):c.402C>T (p.Val134=)

Gene: UPK3A (uroplakin 3A; plus strand). Cytogenetic location: 22q13.31.
Variant type: single nucleotide variant.
Coding change: c.402C>T on transcript NM_006953.4 (MANE Select); coding-DNA position 402, C replaced by T.
Protein change: p.Val134=; no amino-acid change (valine 134 retained).
Molecular consequence: synonymous variant. On other transcripts: intron variant (1).
Genome position (GRCh38, 1-based): chr22:45,287,365, C>T. VCF-style: chr22-45287365-C-T. GRCh37 (hg19) VCF-style: chr22-45683246-C-T.
Other names: c.208+1269C>T (NM_001167574.2).
Identifiers: ClinVar variation 341974 (VCV000341974.9), dbSNP rs2673088, ClinGen allele CA10284363.

ClinVar aggregate classification (germline): Benign. Review status: criteria provided, multiple submitters, no conflicts (2 of 4 stars). 5 submissions from 5 submitters: Benign (4). 1 of the submissions does not count toward it. Last evaluated 2024-11-28.

Conditions:
Renal hypodysplasia/aplasia 1 (RHDA1). Also called: RENAL APLASIA; HEREDITARY RENAL APLASIA. Identifiers: Orphanet 411709, MedGen C1619700, MONDO:0024519, OMIM 191830.

Allele frequency attached by ClinVar (database versions not stated): 1000 Genomes Project 30x 0.54747; 1000 Genomes Project 0.54812; TOPMed 0.61150; ESP Exome Variant Server 0.61187; gnomAD 0.61535 and 0.61933; ExAC 0.69709; gnomAD exomes 0.70583.
gnomAD v4.1: 1,165,201 of 1,613,634 alleles (72%); highest among the groups gnomAD compares: Admixed American, 78%; 429,455 homozygotes.

Submissions (5):

Blueprint Genetics
Classification: Benign. Last evaluated: 2024-11-28. Review status: criteria provided, single submitter. Criteria: ACMG Guidelines, 2015. Collection method: clinical testing. Allele origin: germline.

Illumina Laboratory Services, Illumina
Classification: Benign for Renal hypodysplasia/aplasia 1. Last evaluated: 2018-01-13. Review status: criteria provided, single submitter. Criteria: ICSL Variant Classification Criteria 13 December 2019. Collection method: clinical testing. Allele origin: germline.
Comment: This variant was observed in the ICSL laboratory as part of a predisposition screen in an ostensibly healthy population. It had not been previously curated by ICSL or reported in the Human Gene Mutation Database (HGMD: prior to June 1st, 2018), and was therefore a candidate for classification through an automated scoring system. Utilizing variant allele frequency, disease prevalence and penetrance estimates, and inheritance mode, an automated score was calculated to assess if this variant is too frequent to cause the disease. Based on the score and internal cut-off values, a variant classified as benign is not then subjected to further curation. The score for this variant resulted in a classification of benign for this disease.

Genome Diagnostics Laboratory, University Medical Center Utrecht
Classification: Benign for Renal hypodysplasia/aplasia 1. Last evaluated: 2014-10-10. Review status: criteria provided, single submitter. Criteria: ACGS Guidelines, 2013. Collection method: clinical testing. Allele origin: germline. Affected: yes. Study: VKGL Data-share Consensus.

Breakthrough Genomics
Classification: Benign. Review status: criteria provided, single submitter. Criteria: ACMG Guidelines, 2015. Collection method: not provided. Allele origin: germline. Inheritance: Unknown mechanism. Affected: yes.

Diagnostic Laboratory, Department of Genetics, University Medical Center Groningen
Classification: Benign for Renal hypodysplasia/aplasia 1. Review status: no assertion criteria provided. Collection method: clinical testing. Allele origin: germline. Affected: yes. Study: VKGL Data-share Consensus. Not counted in ClinVar's aggregate classification.